The following is an entry in ClinVar:

ClinVar aggregate classification (germline): Uncertain significance (1 of 4 stars; one submission).

Conditions:
Danon disease. Also called: ANTOPOL DISEASE; PSEUDOGLYCOGENOSIS II; GSD IIb; LYSOSOMAL GLYCOGEN STORAGE DISEASE WITHOUT ACID MALTASE DEFICIENCY; Glycogen Storage Disease Type IIb. Identifiers: Orphanet 34587, MedGen C0878677, MONDO:0010281, OMIM 300257.

Submission:

Labcorp Genetics (formerly Invitae), Labcorp
Classification: Uncertain significance for Danon disease. Last evaluated: 2023-04-28. Review status: criteria provided, single submitter. Criteria: Invitae Variant Classification Sherloc (09022015). Collection method: clinical testing. Allele origin: germline.
Comment: In summary, the available evidence is currently insufficient to determine the role of this variant in disease. Therefore, it has been classified as a Variant of Uncertain Significance. An algorithm developed to predict the effect of missense changes on protein structure and function (PolyPhen-2) suggests that this variant is likely to be disruptive. This missense change has been observed in individual(s) with Danon disease (PMID: 29637036). This variant is not present in population databases (gnomAD no frequency). This sequence change replaces cysteine, which is neutral and slightly polar, with arginine, which is basic and polar, at codon 18 of the LAMP2 protein (p.Cys18Arg).

Literature cited by the submitters: PubMed 29637036.

NM_002294.3(LAMP2):c.52T>C (p.Cys18Arg)

Gene: LAMP2 (lysosome associated membrane protein 2; minus strand). Cytogenetic location: Xq24.
Variant type: single nucleotide variant.
Coding change: c.52T>C on transcript NM_002294.3 (MANE Select); coding-DNA position 52, T replaced by C.
Protein change: p.Cys18Arg; replaces cysteine 18 with arginine.
Molecular consequence: missense variant.
Genome position (GRCh38, 1-based): chrX:120,469,118, A>G on the plus strand (T>C on the coding strand, the complement: LAMP2 is on the minus strand). VCF-style: chrX-120469118-A-G. GRCh37 (hg19) VCF-style: chrX-119602973-A-G.
Other names: c.52T>C, p.Cys18Arg (NM_001122606.1, NM_013995.2); short protein forms C18R.
Identifiers: ClinVar variation 2910489 (VCV002910489.3), dbSNP rs2520947926, ClinGen allele CA414397834.